The following is an entry in ClinVar:

NM_015570.4(AUTS2):c.999A>G (p.Gln333=)

Gene: AUTS2 (activator of transcription and developmental regulator AUTS2; plus strand). Cytogenetic location: 7q11.22.
Variant type: single nucleotide variant.
Coding change: c.999A>G on transcript NM_015570.4 (MANE Select); coding-DNA position 999, A replaced by G.
Protein change: p.Gln333=; no amino-acid change (glutamine 333 retained).
Molecular consequence: synonymous variant.
Genome position (GRCh38, 1-based): chr7:70,763,126, A>G. VCF-style: chr7-70763126-A-G. GRCh37 (hg19) VCF-style: chr7-70228112-A-G.
Other names: c.999A>G, p.Gln333= (NM_001127231.3).
Identifiers: ClinVar variation 2167847 (VCV002167847.28), dbSNP rs368520602, ClinGen allele CA4280533.

ClinVar aggregate classification (germline): Likely benign. Review status: criteria provided, multiple submitters, no conflicts (2 of 4 stars). 2 submissions from 2 submitters: Likely benign (2). Last evaluated 2025-04-21.

Allele frequency attached by ClinVar (database versions not stated): ExAC 0.00005; TOPMed 0.00005; gnomAD 0.00006; ESP Exome Variant Server 0.00008.
gnomAD v4.1: 71 of 1,613,376 alleles (0.0044%); highest among the groups gnomAD compares: Non-Finnish European, 0.0056%; no homozygotes.

Submissions (2):

Labcorp Genetics (formerly Invitae), Labcorp
Classification: Likely benign. Last evaluated: 2025-04-21. Review status: criteria provided, single submitter. Criteria: Invitae Variant Classification Sherloc (09022015). Collection method: clinical testing. Allele origin: germline.

CeGaT Center for Human Genetics Tuebingen
Classification: Likely benign. Last evaluated: 2023-05-01. Review status: criteria provided, single submitter. Criteria: CeGaT Center For Human Genetics Tuebingen Variant Classification Criteria Version 2. Collection method: clinical testing. Allele origin: germline. Affected: yes. Observed: 1 variant allele.
Comment: AUTS2: BP4, BP7